The following is an entry in ClinVar:

NM_014550.4(CARD10):c.1383+6C>T

Gene: CARD10 (caspase recruitment domain family member 10; minus strand). Cytogenetic location: 22q13.1.
Variant type: single nucleotide variant.
Coding change: c.1383+6C>T on transcript NM_014550.4 (MANE Select); 6 bases into the intron after coding-DNA position 1383, C replaced by T.
Molecular consequence: intron variant.
Genome position (GRCh38, 1-based): chr22:37,506,186, G>A on the plus strand (C>T on the coding strand, the complement: CARD10 is on the minus strand). VCF-style: chr22-37506186-G-A. GRCh37 (hg19) VCF-style: chr22-37902193-G-A.
Identifiers: ClinVar variation 3051693 (VCV003051693.3), dbSNP rs374177056, ClinGen allele CA10219875.

ClinVar aggregate classification (germline): Likely benign. Review status: criteria provided, single submitter (1 of 4 stars). 2 submissions from 2 submitters: Likely benign (1). 1 of the submissions does not count toward it. Last evaluated 2024-05-10.

Conditions:
CARD10-related disorder. Also called: CARD10-related condition.

Allele frequency attached by ClinVar (database versions not stated): ESP Exome Variant Server 0.00008.
gnomAD v4.1: 68 of 1,527,516 alleles (0.0045%); highest among the groups gnomAD compares: Admixed American, 0.032%; no homozygotes.

Submissions (2):

Blueprint Genetics
Classification: Likely benign. Last evaluated: 2024-05-10. Review status: criteria provided, single submitter. Criteria: ACMG Guidelines, 2015. Collection method: clinical testing. Allele origin: germline.

PreventionGenetics, part of Exact Sciences
Classification: Likely benign for CARD10-related condition. Last evaluated: 2019-03-20. Review status: no assertion criteria provided. Collection method: clinical testing. Allele origin: germline. Not counted in ClinVar's aggregate classification.
Comment: This variant is classified as likely benign based on ACMG/AMP sequence variant interpretation guidelines (Richards et al. 2015 PMID: 25741868, with internal and published modifications).